The following is an entry in ClinVar:

NM_170699.3(GPBAR1):c.701G>T (p.Gly234Val)

Gene: GPBAR1 (G protein-coupled bile acid receptor 1; plus strand). Cytogenetic location: 2q35.
Variant type: single nucleotide variant.
Coding change: c.701G>T on transcript NM_170699.3 (MANE Select); coding-DNA position 701, G replaced by T.
Protein change: p.Gly234Val; replaces glycine 234 with valine.
Molecular consequence: missense variant.
Genome position (GRCh38, 1-based): chr2:218,263,425, G>T. VCF-style: chr2-218263425-G-T. GRCh37 (hg19) VCF-style: chr2-219128148-G-T.
Other names: c.701G>T, p.Gly234Val (NM_001077191.2, NM_001077194.2, NM_001321950.2); c.701G>T (NM_001321950.1); short protein forms G234V.
Identifiers: ClinVar variation 594877 (VCV000594877.7), dbSNP rs201017530, ClinGen allele CA2102661.

ClinVar aggregate classification (germline): Uncertain significance. Review status: criteria provided, single submitter (1 of 4 stars). 2 submissions from 2 submitters: Uncertain significance (1). 1 of the submissions does not count toward it. Last evaluated 2017-11-06.

Conditions:
GPBAR1-related disorder. Also called: GPBAR1-related condition.

Allele frequency attached by ClinVar (database versions not stated): 1000 Genomes Project 30x 0.00016; gnomAD exomes 0.00017; 1000 Genomes Project 0.00020; ExAC 0.00026; ESP Exome Variant Server 0.00049; gnomAD 0.00073 and 0.00078; TOPMed 0.00075.

Submissions (2):

Eurofins Ntd Llc (ga)
Classification: Uncertain significance. Last evaluated: 2017-11-06. Review status: criteria provided, single submitter. Criteria: EGL Classification Definitions 2015. Collection method: clinical testing. Allele origin: germline. Observed: 1 variant allele, 1 heterozygote.

PreventionGenetics, part of Exact Sciences
Classification: Likely benign for GPBAR1-related condition. Last evaluated: 2022-04-12. Review status: no assertion criteria provided. Collection method: clinical testing. Allele origin: germline. Not counted in ClinVar's aggregate classification.
Comment: This variant is classified as likely benign based on ACMG/AMP sequence variant interpretation guidelines (Richards et al. 2015 PMID: 25741868, with internal and published modifications).